The following is an entry in ClinVar:

NM_001159699.2(FHL1):c.507C>G (p.Cys169Trp)

Gene: FHL1 (four and a half LIM domains 1; plus strand). Cytogenetic location: Xq26.3.
Variant type: single nucleotide variant.
Coding change: c.507C>G on transcript NM_001159699.2 (MANE Select); coding-DNA position 507, C replaced by G.
Protein change: p.Cys169Trp; replaces cysteine 169 with tryptophan.
Molecular consequence: missense variant. On other transcripts: non-coding transcript variant (1).
Genome position (GRCh38, 1-based): chrX:136,207,919, C>G. VCF-style: chrX-136207919-C-G. GRCh37 (hg19) VCF-style: chrX-135290078-C-G.
Other names: c.546C>G, p.Cys182Trp (NM_001159701.2); c.459C>G, p.Cys153Trp (NM_001159702.3, NM_001159703.2, NM_001159704.1 and 9 more transcripts); c.507C>G, p.Cys169Trp (NM_001330659.2); short protein forms C182W, C153W, C169W.
Identifiers: ClinVar variation 2737373 (VCV002737373.3), dbSNP rs752839497, ClinGen allele CA414608576.

ClinVar aggregate classification (germline): Pathogenic (1 of 4 stars; one submission).

Conditions:
X-linked myopathy with postural muscle atrophy. Also called: FHL1-Related Emery-Dreifuss Muscular Dystrophy, X-Linked. Identifiers: Orphanet 178461, MedGen C2678055, MONDO:0010401, OMIM 300696.

Submission:

Labcorp Genetics (formerly Invitae), Labcorp
Classification: Pathogenic for X-linked myopathy with postural muscle atrophy. Last evaluated: 2023-11-02. Review status: criteria provided, single submitter. Criteria: Invitae Variant Classification Sherloc (09022015). Collection method: clinical testing. Allele origin: germline.
Comment: This sequence change replaces cysteine, which is neutral and slightly polar, with tryptophan, which is neutral and slightly polar, at codon 153 of the FHL1 protein (p.Cys153Trp). This variant is not present in population databases (gnomAD no frequency). This missense change has been observed in individual(s) with clinical features of FHL1-related conditions (PMID: 23965743; Invitae). In at least one individual the variant was observed to be de novo. An algorithm developed to predict the effect of missense changes on protein structure and function (PolyPhen-2) suggests that this variant is likely to be disruptive. This variant disrupts the p.Cys153 amino acid residue in FHL1. Other variant(s) that disrupt this residue have been determined to be pathogenic (PMID: 18274675, 23965743). This suggests that this residue is clinically significant, and that variants that disrupt this residue are likely to be disease-causing. For these reasons, this variant has been classified as Pathogenic.

Literature cited by the submitters: PubMed 23965743; PubMed 18274675.